The following is an entry in ClinVar:

NM_002340.6(LSS):c.529C>T (p.Arg177Trp)

Gene: LSS (lanosterol synthase; minus strand). Cytogenetic location: 21q22.3.
Variant type: single nucleotide variant.
Coding change: c.529C>T on transcript NM_002340.6 (MANE Select); coding-DNA position 529, C replaced by T.
Protein change: p.Arg177Trp; replaces arginine 177 with tryptophan.
Molecular consequence: missense variant.
Genome position (GRCh38, 1-based): chr21:46,221,875, G>A on the plus strand (C>T on the coding strand, the complement: LSS is on the minus strand). VCF-style: chr21-46221875-G-A. GRCh37 (hg19) VCF-style: chr21-47641789-G-A.
Other names: c.529C>T, p.Arg177Trp (NM_001001438.3); c.496C>T, p.Arg166Trp (NM_001145436.2); c.289C>T, p.Arg97Trp (NM_001145437.2); short protein forms R166W, R177W, R97W.
Identifiers: ClinVar variation 5016835 (VCV005016835.1).

ClinVar aggregate classification (germline): Uncertain significance (1 of 4 stars; one submission).

Submission:

GeneDx
Classification: Uncertain significance. Last evaluated: 2026-03-25. Review status: criteria provided, single submitter. Criteria: GeneDx Variant Classification Process June 2021. Collection method: clinical testing. Allele origin: germline.
Comment: In silico analysis supports that this missense variant has a deleterious effect on protein structure/function; Observed de novo in an individual with autism spectrum disorder, but no additional clinical information was not included (PMID: 35982160); This variant is associated with the following publications: (PMID: 35982159, 35982160)